The following is an entry in ClinVar:

ClinVar aggregate classification (germline): Uncertain significance (1 of 4 stars; one submission).

Conditions:
Hereditary cancer-predisposing syndrome. Also called: Neoplastic Syndromes, Hereditary; Tumor predisposition; Hereditary neoplastic syndrome; Hereditary Cancer Syndrome. Identifiers: Orphanet 140162, MedGen C0027672, MeSH D009386, MONDO:0015356.

Submission:

Ambry Genetics
Classification: Uncertain significance for Hereditary cancer-predisposing syndrome. Last evaluated: 2026-07-07. Review status: criteria provided, single submitter. Criteria: Ambry Variant Classification Scheme 2023. Collection method: clinical testing. Allele origin: germline.
Comment: The p.G2063V variant (also known as c.6188G>T), located in coding exon 10 of the BRCA2 gene, results from a G to T substitution at nucleotide position 6188. The glycine at codon 2063 is replaced by valine, an amino acid with dissimilar properties. This amino acid position is conserved. In addition, this alteration is predicted to be deleterious by in silico analysis. Based on the available evidence, the clinical significance of this variant remains unclear.

NM_000059.4(BRCA2):c.6188G>T (p.Gly2063Val)

Gene: BRCA2 (BRCA2 DNA repair associated; plus strand). Cytogenetic location: 13q13.1.
Variant type: single nucleotide variant.
Coding change: c.6188G>T on transcript NM_000059.4 (MANE Select); coding-DNA position 6188, G replaced by T.
Protein change: p.Gly2063Val; replaces glycine 2063 with valine.
Molecular consequence: missense variant. On other transcripts: non-coding transcript variant (1), intron variant (2).
Genome position (GRCh38, 1-based): chr13:32,340,543, G>T. VCF-style: chr13-32340543-G-T. GRCh37 (hg19) VCF-style: chr13-32914680-G-T.
Other names: c.6188G>T, p.Gly2063Val (NM_001406719.1, NM_001406720.1, NM_001432077.1); c.1910-4015G>T (NM_001406721.1); c.425-4015G>T (NM_001406722.1); short protein forms G2063V.
Identifiers: ClinVar variation 5033290 (VCV005033290.1).
Genomic context (GRCh38, chr13:32,340,543, plus strand): 5'-AAGGCTTTTCATATAATGTGGTAAATTCATCTGCTTTCTCTGGATTTAGTACAGCAAGTG[G>T]AAAGCAAGTTTCCATTTTAGAAAGTTCCTTACACAAAGTTAAGGGAGTGTTAGAGGAATT-3'
Protein context (NP_000050.3, residues 2053-2073): SAFSGFSTAS[Gly2063Val]KQVSILESSL